The following is an entry in ClinVar:

ClinVar aggregate classification (germline): Uncertain significance. Review status: criteria provided, multiple submitters, no conflicts (2 of 4 stars). 2 submissions from 2 submitters: Uncertain significance (2). Last evaluated 2026-08-20.

Conditions:
Pheochromocytoma/paraganglioma syndrome 3. Also called: GLOMUS TUMORS, FAMILIAL, 3; Paragangliomas 3; SDHC-Related Hereditary Paraganglioma-Pheochromocytoma Syndrome (Paragangliomas 3); SDHC-Related Hereditary Paraganglioma-Pheochromocytoma Syndrome. Identifiers: Orphanet 29072, MedGen C1854336, MONDO:0011544, OMIM 605373.
Gastrointestinal stromal tumor. Also called: Gastrointestinal stroma tumor; Gastrointestinal stromal tumor, somatic. Identifiers: Orphanet 44890, MedGen C0238198, MeSH D046152, MONDO:0011719, OMIM 606764, HP:0100723.
Hereditary cancer-predisposing syndrome. Also called: Hereditary Cancer Syndrome; Hereditary neoplastic syndrome; Neoplastic Syndromes, Hereditary; Tumor predisposition. Identifiers: Orphanet 140162, MedGen C0027672, MeSH D009386, MONDO:0015356.

Submissions (2):

Ambry Genetics
Classification: Uncertain significance for Hereditary cancer-predisposing syndrome. Last evaluated: 2026-08-20. Review status: criteria provided, single submitter. Criteria: Ambry Variant Classification Scheme 2023. Collection method: clinical testing. Allele origin: germline.
Comment: The p.V155F variant (also known as c.463G>T), located in coding exon 6 of the SDHC gene, results from a G to T substitution at nucleotide position 463. The valine at codon 155 is replaced by phenylalanine, an amino acid with highly similar properties. This amino acid position is highly conserved in available vertebrate species. In addition, this alteration is predicted to be deleterious by in silico analysis. Based on the available evidence, the clinical significance of this variant remains unclear.

Labcorp Genetics (formerly Invitae), Labcorp
Classification: Uncertain significance for Pheochromocytoma/paraganglioma syndrome 3; Gastrointestinal stromal tumor. Last evaluated: 2024-01-30. Review status: criteria provided, single submitter. Criteria: Invitae Variant Classification Sherloc (09022015). Collection method: clinical testing. Allele origin: germline.
Comment: This sequence change replaces valine, which is neutral and non-polar, with phenylalanine, which is neutral and non-polar, at codon 155 of the SDHC protein (p.Val155Phe). This variant is not present in population databases (gnomAD no frequency). This variant has not been reported in the literature in individuals affected with SDHC-related conditions. ClinVar contains an entry for this variant (Variation ID: 1742094). Advanced modeling of protein sequence and biophysical properties (such as structural, functional, and spatial information, amino acid conservation, physicochemical variation, residue mobility, and thermodynamic stability) performed at Invitae indicates that this missense variant is expected to disrupt SDHC protein function with a positive predictive value of 80%. In summary, the available evidence is currently insufficient to determine the role of this variant in disease. Therefore, it has been classified as a Variant of Uncertain Significance.

NM_003001.5(SDHC):c.463G>T (p.Val155Phe)

Gene: SDHC (succinate dehydrogenase complex subunit C; plus strand). Cytogenetic location: 1q23.3.
Variant type: single nucleotide variant.
Coding change: c.463G>T on transcript NM_003001.5 (MANE Select); coding-DNA position 463, G replaced by T.
Protein change: p.Val155Phe; replaces valine 155 with phenylalanine.
Molecular consequence: missense variant.
Genome position (GRCh38, 1-based): chr1:161,362,386, G>T. VCF-style: chr1-161362386-G-T. GRCh37 (hg19) VCF-style: chr1-161332176-G-T.
Other names: c.304G>T, p.Val102Phe (NM_001035513.3); c.197G>T, p.Cys66Phe (NM_001278172.3); c.583G>T, p.Val195Phe (NM_001407115.1); c.406G>T, p.Val136Phe (NM_001407116.1); c.400G>T, p.Val134Phe (NM_001407117.1); c.355G>T, p.Val119Phe (NM_001407118.1); c.352G>T, p.Val118Phe (NM_001407119.1, NM_001407120.1); c.242G>T, p.Cys81Phe (NM_001407121.1); and 2 more; short protein forms C66F, C81F, V118F, V195F, V121F, V119F, V134F, C100F.
Identifiers: ClinVar variation 1742094 (VCV001742094.6), dbSNP rs2102385579, ClinGen allele CA343457819.